The following is an entry in ClinVar:

NM_017780.4(CHD7):c.8278AATCTCCAG[3] (p.2760NLQ[3])

Gene: CHD7 (chromodomain helicase DNA binding protein 7; plus strand). Cytogenetic location: 8q12.2.
Variant type: Microsatellite.
Coding change: c.8278AATCTCCAG[3] on transcript NM_017780.4 (MANE Select); three copies in a row of the 9-base unit AATCTCCAG starting at c.8278; the reference has two copies in a row; one copy, 9 bases duplicated; also written c.8287_8295dup.
Protein change: p.2760NLQ[3].
Molecular consequence: inframe insertion.
Genome position (GRCh38, 1-based): chr8:60,865,226-60,865,234, AATCTCCAG duplicated; duplicating any 9 consecutive bases within chr8:60,865,214-60,865,234 gives the same sequence; the position shown is the placement nearest the transcript's 3' end. VCF-style (leftmost placement, unchanged base first): chr8-60865213-T-TCAGAATCTC. GRCh37 (hg19) VCF-style: chr8-61777772-T-TCAGAATCTC.
Other names: c.8287_8295dupAATCTCCAG (NM_017780.4); c.8287_8295dup (NM_017780.4); c.2131AATCTCCAG[3], p.711NLQ[3] (NM_001316690.1).
Identifiers: ClinVar variation 1435892 (VCV001435892.10), dbSNP rs747665912, ClinGen allele CA4760979.
Genomic context (GRCh38, chr8:60,865,213, plus strand): 5'-GTCAGGGATCAACCCTTTGCTGGTGAACAGCCTGTTTGCTGGAATGGACCTGACGAGCCT[T>TCAGAATCTC]CAGAATCTCCAGAATCTCCAGTCGCTCCAGCTGGCAGGCCTCATGGGCTTCCCTCCAGGA-3'

ClinVar aggregate classification (germline): Uncertain significance. Review status: criteria provided, multiple submitters, no conflicts (2 of 4 stars). 3 submissions from 3 submitters: Uncertain significance (3). Last evaluated 2025-11-12.

Conditions:
CHARGE syndrome (CHARGE). Also called: Coloboma, heart anomaly, choanal atresia, retardation, genital and ear anomalies; CHARGE association; Hall-Hittner syndrome; Hittner Hirsch Kreh syndrome; CHARGE ASSOCIATION--COLOBOMA, HEART ANOMALY, CHOANAL ATRESIA, RETARDATION, GENITAL AND EAR ANOMALIES. Identifiers: Orphanet 138, MedGen C0265354, MONDO:0008965.
Hypogonadotropic hypogonadism 5 with or without anosmia (KAL5). Also called: HYPOGONADOTROPIC HYPOGONADISM 5 WITH ANOSMIA; HYPOGONADOTROPHIC HYPOGONADISM 5 WITHOUT ANOSMIA; CHD7-Related GnRH Deficiency (Kallmann Syndrome 5). Identifiers: Orphanet 478, MedGen C3552553, MONDO:0012880, OMIM 612370. Disease mechanism: loss of function.

Submissions (3):

Labcorp Genetics (formerly Invitae), Labcorp
Classification: Uncertain significance for CHARGE syndrome. Last evaluated: 2025-11-12. Review status: criteria provided, single submitter. Criteria: Invitae Variant Classification Sherloc (09022015). Collection method: clinical testing. Allele origin: germline.
Comment: This variant, c.8287_8295dup, results in the insertion of 3 amino acid(s) of the CHD7 protein (p.Asn2763_Gln2765dup), but otherwise preserves the integrity of the reading frame. This variant is present in population databases (rs773877250, gnomAD 0.03%). This variant has not been reported in the literature in individuals affected with CHD7-related conditions. Experimental studies and prediction algorithms are not available or were not evaluated, and the functional significance of this variant is currently unknown. In summary, the available evidence is currently insufficient to determine the role of this variant in disease. Therefore, it has been classified as a Variant of Uncertain Significance.

Women's Health and Genetics/Laboratory Corporation of America, LabCorp
Classification: Uncertain significance. Last evaluated: 2024-09-30. Review status: criteria provided, single submitter. Criteria: LabCorp Variant Classification Summary - May 2015. Collection method: clinical testing. Allele origin: germline.
Comment: Variant summary: CHD7 c.8287_8295dupAATCTCCAG (p.Asn2763_Gln2765dup) results in an in-frame duplication that is predicted to duplicate 3 amino acids into the encoded protein. The variant allele was found at a frequency of 4.1e-05 in 241742 control chromosomes. This frequency is not significantly higher than estimated for a pathogenic variant in CHD7 causing CHARGE Syndrome (4.1e-05 vs 4.4e-05), allowing no conclusion about variant significance. c.8287_8295dupAATCTCCAG has been reported in the literature in individuals affected with progressive multifocal leukoencephalopathy. These report(s) do not provide unequivocal conclusions about association of the variant with CHARGE Syndrome. To our knowledge, no experimental evidence demonstrating an impact on protein function has been reported. The following publication have been ascertained in the context of this evaluation (PMID: 37959410). ClinVar contains an entry for this variant (Variation ID: 1435892). Based on the evidence outlined above, the variant was classified as uncertain significance.

Fulgent Genetics
Classification: Uncertain significance for CHD7-related CHARGE syndrome; Hypogonadotropic hypogonadism 5 with or without anosmia. Last evaluated: 2024-05-13. Review status: criteria provided, single submitter. Criteria: ACMG Guidelines, 2015. Collection method: clinical testing. Allele origin: germline.

Literature cited by the submitters: PubMed 37959410 (cited by Women's Health and Genetics/Laboratory Corporation of America, LabCorp).